The following is an entry in ClinVar:

NM_004260.4(RECQL4):c.1024T>C (p.Phe342Leu)

Gene: RECQL4 (RecQ like helicase 4; minus strand). Cytogenetic location: 8q24.3.
Variant type: single nucleotide variant.
Coding change: c.1024T>C on transcript NM_004260.4 (MANE Select); coding-DNA position 1024, T replaced by C.
Protein change: p.Phe342Leu; replaces phenylalanine 342 with leucine.
Molecular consequence: missense variant.
Genome position (GRCh38, 1-based): chr8:144,516,095, A>G on the plus strand (T>C on the coding strand, the complement: RECQL4 is on the minus strand). VCF-style: chr8-144516095-A-G. GRCh37 (hg19) VCF-style: chr8-145741479-A-G.
Other names: short protein forms F342L.
Identifiers: ClinVar variation 860336 (VCV000860336.4), dbSNP rs772388357, ClinGen allele CA4949110.

ClinVar aggregate classification (germline): Uncertain significance (1 of 4 stars; one submission).

Conditions:
Baller-Gerold syndrome (BGS). Also called: CRANIOSYNOSTOSIS WITH RADIAL DEFECTS. Identifiers: Orphanet 1225, MedGen C0265308, MONDO:0009039, OMIM 218600.

Allele frequency attached by ClinVar (database versions not stated): ExAC 0.00002; gnomAD exomes 0.00002.

Submission:

Labcorp Genetics (formerly Invitae), Labcorp
Classification: Uncertain significance for Baller-Gerold syndrome. Last evaluated: 2025-02-28. Review status: criteria provided, single submitter. Criteria: Invitae Variant Classification Sherloc (09022015). Collection method: clinical testing. Allele origin: germline.
Comment: This sequence change replaces phenylalanine, which is neutral and non-polar, with leucine, which is neutral and non-polar, at codon 342 of the RECQL4 protein (p.Phe342Leu). This variant is present in population databases (rs772388357, gnomAD 0.02%). This variant has not been reported in the literature in individuals affected with RECQL4-related conditions. ClinVar contains an entry for this variant (Variation ID: 860336). Invitae Evidence Modeling of protein sequence and biophysical properties (such as structural, functional, and spatial information, amino acid conservation, physicochemical variation, residue mobility, and thermodynamic stability) indicates that this missense variant is not expected to disrupt RECQL4 protein function with a negative predictive value of 80%. In summary, the available evidence is currently insufficient to determine the role of this variant in disease. Therefore, it has been classified as a Variant of Uncertain Significance.